The following is an entry in ClinVar:

ClinVar aggregate classification (germline): Uncertain significance. Review status: criteria provided, multiple submitters, no conflicts (2 of 4 stars). 12 submissions from 12 submitters: Uncertain significance (11). 1 of the submissions does not count toward it. Last evaluated 2026-05-23.

Conditions:
Myopathy, myosin storage, autosomal recessive (CMYO7B). Also called: CONGENITAL MYOPATHY 7B, MYOSIN STORAGE, AUTOSOMAL RECESSIVE. Identifiers: Orphanet 636970, MedGen C1850709, MONDO:0009708, OMIM 255160.
Myosin storage myopathy (CMYO7A). Also called: Scapuloperoneal myopathy, MYH7-related; SCAPULOPERONEAL MUSCULAR DYSTROPHY; SCAPULOPERONEAL SYNDROME, MYOPATHIC TYPE; MYH7-related late-onset scapuloperoneal muscular dystrophy; Congenital myopathy 7A, myosin storage, autosomal dominant; MYOPATHY, HYALINE BODY, AUTOSOMAL DOMINANT. Identifiers: Orphanet 437572, Orphanet 636965, MedGen C1842160, MONDO:0008409, OMIM 608358.
Congenital myopathy with fiber type disproportion. Also called: Congenital fiber-type disproportion myopathy; Congenital fiber-type disproportion. Identifiers: Orphanet 2020, MedGen C0546264, MONDO:0009711. Inheritance: all.
Hypertrophic cardiomyopathy 1 (CMH1). Also called: Familial hypertrophic cardiomyopathy 1; MYH7-Related Familial Hypertrophic Cardiomyopathy. Identifiers: MedGen C3495498, MONDO:0008647, OMIM 192600.
Dilated cardiomyopathy 1S (CMD1S). Identifiers: Orphanet 154, Orphanet 54260, MedGen C1834481, MONDO:0013262, OMIM 613426.
MYH7-related skeletal myopathy. Also called: Myopathy, distal, 1; MYOPATHY, DISTAL, EARLY-ONSET, AUTOSOMAL DOMINANT; MYOPATHY, LATE DISTAL HEREDITARY; Laing distal myopathy; Laing early-onset distal myopathy. Identifiers: Orphanet 59135, MedGen C4552004, MONDO:0008050, OMIM 160500.
MYH7-related disorder. Also called: MYH7-related condition; MYH7-related disease; MYH7-related disorders.
Cardiovascular phenotype. Identifiers: MedGen CN230736.
Cardiomyopathy (CMYO). Also called: Cardiomyopathies. Identifiers: Orphanet 167848, MedGen C0878544, MONDO:0004994, HP:0001638. Inheritance: Various modes of inheritance.
Hypertrophic cardiomyopathy. Also called: HYPERTROPHIC MYOCARDIOPATHY. Identifiers: Orphanet 217569, MedGen C0007194, MeSH D002312, MONDO:0005045, HP:0001639.

Allele frequency attached by ClinVar (database versions not stated): gnomAD exomes 0.00002; ExAC 0.00004; ESP Exome Variant Server 0.00008; gnomAD 0.00011 and 0.00012; 1000 Genomes Project 30x 0.00031; TOPMed 0.00031; 1000 Genomes Project 0.00040.
gnomAD v4.1: 46 of 1,606,482 alleles (0.0029%); highest among the groups gnomAD compares: Admixed American, 0.047%; no homozygotes.

Submissions (12):

PreventionGenetics, part of Exact Sciences
Classification: Uncertain significance for MYH7-related condition. Last evaluated: 2026-05-23. Review status: criteria provided, single submitter. Criteria: ACMG Guidelines, 2015. Collection method: clinical testing. Allele origin: germline.
Comment: The MYH7 c.3982G>A variant is predicted to result in the amino acid substitution p.Ala1328Thr. This variant has been reported in individuals with dilated or hypertrophic cardiomyopathy (see, for example: Table S1, Pugh et al. 2014. PubMed ID: 24503780; Goel et al. 2018. PubMed ID: 30511546; Table S4, Smith et al. 2022. PubMed ID: 35470680). However, it has also been detected in asymptomatic family members and control individuals (Goel et al. 2018. PubMed ID: 30511546; Table S9, McGurk et al. 2023. PubMed ID: 37652022). This variant is reported in 0.011% of alleles in individuals of Latino descent in gnomAD. Another missense variant affecting the same amino acid (p.Ala1328Asp) has also been reported in individuals with dilated cardiomyopathy (Online Supplementary File 2, van Lint et al. 2019. PubMed ID: 30847666). At this time, the clinical significance of this variant is uncertain due to the absence of conclusive functional and genetic evidence.

Women's Health and Genetics/Laboratory Corporation of America, LabCorp
Classification: Uncertain significance. Last evaluated: 2026-05-12. Review status: criteria provided, single submitter. Criteria: LabCorp Variant Classification Summary - May 2015. Collection method: clinical testing. Allele origin: germline.
Comment: Variant summary: MYH7 c.3982G>A (p.Ala1328Thr) results in a non-conservative amino acid change in the encoded protein sequence. Algorithms developed to predict the effect of missense changes on protein structure and function all suggest that this variant is likely to be disruptive. The variant allele was found at a frequency of 2e-05 in 247162 control chromosomes. The available data on variant occurrences in the general population are insufficient to allow any conclusion about variant significance. c.3982G>A has been reported in individuals affected with Dilated Cardiomyopathy or Hypertrophic Cardiomyopathy (Pugh_2014, Walsh_2017, Goel_2018, Park_2022, Kurzlechner_2022, McGurk_2023). These report(s) do not provide unequivocal conclusions about association of the variant with Cardiomyopathy. To our knowledge, no experimental evidence demonstrating an impact on protein function has been reported. The following publications have been ascertained in the context of this evaluation (PMID: 30511546, 35629155, 37652022, 34542152, 24503780, 27532257). ClinVar contains an entry for this variant (Variation ID: 42985). Based on the evidence outlined above, the variant was classified as uncertain significance.

Labcorp Genetics (formerly Invitae), Labcorp
Classification: Uncertain significance for Hypertrophic cardiomyopathy. Last evaluated: 2026-01-21. Review status: criteria provided, single submitter. Criteria: Invitae Variant Classification Sherloc (09022015). Collection method: clinical testing. Allele origin: germline.
Comment: This sequence change replaces alanine, which is neutral and non-polar, with threonine, which is neutral and polar, at codon 1328 of the MYH7 protein (p.Ala1328Thr). This variant is present in population databases (rs372727092, gnomAD 0.01%). This missense change has been observed in individual(s) with dilated cardiomyopathy or hypertrophic cardiomyopathy (PMID: 24503780, 27532257, 30511546, 37652022). ClinVar contains an entry for this variant (Variation ID: 42985). Invitae Evidence Modeling of protein sequence and biophysical properties (such as structural, functional, and spatial information, amino acid conservation, physicochemical variation, residue mobility, and thermodynamic stability) indicates that this missense variant is expected to disrupt MYH7 protein function with a positive predictive value of 95%. In summary, the available evidence is currently insufficient to determine the role of this variant in disease. Therefore, it has been classified as a Variant of Uncertain Significance.

Dasa
Classification: Uncertain significance. Last evaluated: 2025-12-08. Review status: criteria provided, single submitter. Criteria: DASA Assertion Criteria. Collection method: clinical testing. Allele origin: germline.
Comment: NM_000257.4(MYH7):c.3982G>A (p.Ala1328Thr) is a missense variant that results in the substitution of alanine with threonine. This variant is rare in population databases. The currently available literature and clinical evidence are not sufficient to establish a definitive association between this variant and the reported condition. Therefore, this variant is classified as a variant of uncertain significance.

All of Us Research Program, National Institutes of Health
Classification: Uncertain significance for Cardiomyopathy. Last evaluated: 2024-09-16. Review status: criteria provided, single submitter. Criteria: ACMG Guidelines, 2015. Collection method: clinical testing. Allele origin: germline. Inheritance: Autosomal dominant inheritance. Observed: 23 variant alleles, 23 heterozygotes.
Comment: This missense variant replaces alanine with threonine at codon 1328 of the MYH7 protein. Computational prediction is inconclusive regarding the impact of this variant on protein structure and function (internally defined REVEL score threshold 0.5 < inconclusive < 0.7, PMID: 27666373). To our knowledge, functional studies have not been reported for this variant. This variant has been reported in individuals affected with dilated cardiomyopathy (PMID: 27532257, 35470680). This variant has also been reported in an individual affected with hypertrophic cardiomyopathy and in two asymptomatic family members of the family (PMID: 30511546). This variant has been identified in 6/278552 chromosomes in the general population by the Genome Aggregation Database (gnomAD). The available evidence is insufficient to determine the role of this variant in disease conclusively. Therefore, this variant is classified as a Variant of Uncertain Significance.

This study involves interpretation of variants in research participants for the purpose of population health screening. Participant phenotype was not available at the time of variant classification. Additional details can be found in publication PMID: 35346344, PMCID: PMC8962531

GeneDx
Classification: Uncertain significance. Last evaluated: 2024-08-08. Review status: criteria provided, single submitter. Criteria: GeneDx Variant Classification Process June 2021. Collection method: clinical testing. Allele origin: germline. Affected: yes.
Comment: In silico analysis indicates that this missense variant does not alter protein structure/function; This variant is associated with the following publications: (PMID: 27532257, 30511546, 37652022, 34542152, 24503780)

Color Diagnostics, LLC DBA Color Health
Classification: Uncertain significance for Cardiomyopathy. Last evaluated: 2024-03-29. Review status: criteria provided, single submitter. Criteria: ACMG Guidelines, 2015. Collection method: clinical testing. Allele origin: germline.
Comment: This missense variant replaces alanine with threonine at codon 1328 of the MYH7 protein. Computational prediction tools indicate that this variant's impact on protein structure and function is inconclusive. To our knowledge, functional studies have not been reported for this variant. This variant has been reported in two individuals affected with dilated cardiomyopathy (PMID: 27532257, 35470680). This variant has also been reported in one individual affected with hypertrophic cardiomyopathy and in two asymptomatic family members (PMID: 30511546). This variant has been identified in 6/278552 chromosomes in the general population by the Genome Aggregation Database (gnomAD). The available evidence is insufficient to determine the role of this variant in disease conclusively. Therefore, this variant is classified as a Variant of Uncertain Significance.

Ambry Genetics
Classification: Uncertain significance for Cardiovascular phenotype. Last evaluated: 2022-04-04. Review status: criteria provided, single submitter. Criteria: Ambry Variant Classification Scheme 2023. Collection method: clinical testing. Allele origin: germline.

Fulgent Genetics
Classification: Uncertain significance for MYH7-related skeletal myopathy; Myosin storage myopathy; Hypertrophic cardiomyopathy 1; Myopathy, myosin storage, autosomal recessive; Congenital myopathy 4A, autosomal dominant; Dilated cardiomyopathy 1S. Last evaluated: 2021-09-13. Review status: criteria provided, single submitter. Criteria: ACMG Guidelines, 2015. Collection method: clinical testing. Allele origin: unknown.

Revvity Omics, Revvity
Classification: Uncertain significance. Last evaluated: 2020-10-08. Review status: criteria provided, single submitter. Criteria: ACMG Guidelines, 2015. Collection method: clinical testing. Allele origin: germline.

Stanford Center for Inherited Cardiovascular Disease, Stanford University
Classification: Uncertain significance. Last evaluated: 2013-06-20. Review status: criteria provided, single submitter. Criteria: ACMG Guidelines, 2015. Collection method: provider interpretation. Allele origin: germline.

Laboratory for Molecular Medicine, Mass General Brigham Personalized Medicine
Classification: Uncertain significance. Last evaluated: 2014-01-17. Review status: no assertion criteria provided. Collection method: clinical testing. Allele origin: germline. Observed: 1 variant allele. Not counted in ClinVar's aggregate classification.
Comment: proposed classification - variant undergoing re-assessment, contact laboratory

Literature cited by the submitters: PubMed 24503780 (cited by Women's Health and Genetics/Laboratory Corporation of America, LabCorp and Labcorp Genetics (formerly Invitae), Labcorp); PubMed 27532257 (cited by 4 submitters); PubMed 34542152 (cited by Women's Health and Genetics/Laboratory Corporation of America, LabCorp); PubMed 35629155 (cited by Women's Health and Genetics/Laboratory Corporation of America, LabCorp); PubMed 37652022 (cited by Women's Health and Genetics/Laboratory Corporation of America, LabCorp and Labcorp Genetics (formerly Invitae), Labcorp); PubMed 30511546 (cited by 4 submitters); PubMed 35470680 (cited by All of Us Research Program, National Institutes of Health and Color Diagnostics, LLC DBA Color Health).

NM_000257.4(MYH7):c.3982G>A (p.Ala1328Thr)

Gene: MYH7 (myosin heavy chain 7; minus strand). Cytogenetic location: 14q11.2.
Variant type: single nucleotide variant.
Coding change: c.3982G>A on transcript NM_000257.4 (MANE Select); coding-DNA position 3982, G replaced by A.
Protein change: p.Ala1328Thr; replaces alanine 1328 with threonine.
Molecular consequence: missense variant.
Genome position (GRCh38, 1-based): chr14:23,418,397, C>T on the plus strand (G>A on the coding strand, the complement: MYH7 is on the minus strand). VCF-style: chr14-23418397-C-T. GRCh37 (hg19) VCF-style: chr14-23887606-C-T.
Other names: p.A1328T:GCC>ACC; short protein forms A1328T.
Identifiers: ClinVar variation 42985 (VCV000042985.35), dbSNP rs372727092, ClinGen allele CA014317.